The following is an entry in ClinVar:

ClinVar aggregate classification (germline): Benign/Likely benign. Review status: criteria provided, multiple submitters, no conflicts (2 of 4 stars). 6 submissions from 6 submitters: Benign (4); Likely benign (2). Last evaluated 2026-01-28.

Conditions:
Hydrocephalus, nonsyndromic, autosomal recessive 1 (HYC1). Also called: Hydrocephalus, nonsyndromic, autosomal recessive; Congenital hydrocephalus 1. Identifiers: Orphanet 2185, MedGen C3887608, MONDO:0009360, OMIM 236600.
Spinocerebellar ataxia type 40. Identifiers: Orphanet 423275, MedGen C4518336, MONDO:0014475, OMIM 616053.

Allele frequency attached by ClinVar (database versions not stated): gnomAD exomes 0.00020 and 0.00057; ExAC 0.00067; 1000 Genomes Project 0.00200; 1000 Genomes Project 30x 0.00234; gnomAD 0.00257 and 0.00287; ESP Exome Variant Server 0.00276; TOPMed 0.00302.
gnomAD v4.1: 706 of 1,613,872 alleles (0.044%); highest among the groups gnomAD compares: African/African-American, 0.83%; 3 homozygotes.

Submissions (6):

Labcorp Genetics (formerly Invitae), Labcorp
Classification: Benign. Last evaluated: 2026-01-28. Review status: criteria provided, single submitter. Criteria: Invitae Variant Classification Sherloc (09022015). Collection method: clinical testing. Allele origin: germline.

Blueprint Genetics
Classification: Likely benign. Last evaluated: 2024-09-18. Review status: criteria provided, single submitter. Criteria: ACMG Guidelines, 2015. Collection method: clinical testing. Allele origin: germline.

Mayo Clinic Laboratories, Mayo Clinic
Classification: Benign. Last evaluated: 2024-01-02. Review status: criteria provided, single submitter. Criteria: ACMG Guidelines, 2015. Collection method: clinical testing. Allele origin: germline. Observed: 3 variant alleles.
Comment: BA1, BP4, BP7

Fulgent Genetics
Classification: Likely benign for Hydrocephalus, nonsyndromic, autosomal recessive 1; Spinocerebellar ataxia type 40. Last evaluated: 2022-01-24. Review status: criteria provided, single submitter. Criteria: ACMG Guidelines, 2015. Collection method: clinical testing. Allele origin: unknown.

Genetic Services Laboratory, University of Chicago
Classification: Benign. Last evaluated: 2013-04-08. Review status: criteria provided, single submitter. Criteria: ACMG Guidelines, 2007. Collection method: clinical testing. Allele origin: germline. Inheritance: Autosomal recessive inheritance.

Breakthrough Genomics
Classification: Benign. Review status: criteria provided, single submitter. Criteria: ACMG Guidelines, 2015. Collection method: not provided. Allele origin: germline. Inheritance: Autosomal recessive inheritance. Affected: yes.

NM_001080414.4(CCDC88C):c.969C>T (p.Asn323=)

Gene: CCDC88C (coiled-coil and HOOK domain protein 88C; minus strand). Cytogenetic location: 14q32.11.
Variant type: single nucleotide variant.
Coding change: c.969C>T on transcript NM_001080414.4 (MANE Select); coding-DNA position 969, C replaced by T.
Protein change: p.Asn323=; no amino-acid change (asparagine 323 retained).
Molecular consequence: synonymous variant.
Genome position (GRCh38, 1-based): chr14:91,338,086, G>A on the plus strand (C>T on the coding strand, the complement: CCDC88C is on the minus strand). VCF-style: chr14-91338086-G-A. GRCh37 (hg19) VCF-style: chr14-91804430-G-A.
Other names: p.Asn323=.
Identifiers: ClinVar variation 158124 (VCV000158124.19), dbSNP rs61737660, ClinGen allele CA171552.